The following is an entry in ClinVar:

ClinVar aggregate classification (germline): Likely benign (1 of 4 stars; one submission).

Conditions:
Cataract 5 multiple types (CTRCT5). Also called: CATARACT, MARNER TYPE; CATARACT 5, LAMELLAR; Lamellar cataract. Identifiers: Orphanet 91492, MedGen C0266537, MONDO:0007290, OMIM 116800, HP:0007971.

Allele frequency attached by ClinVar (database versions not stated): TOPMed 0.00002; ExAC 0.00002; ESP Exome Variant Server 0.00008; gnomAD exomes 0.00003.
gnomAD v4.1: 19 of 1,608,122 alleles (0.0012%); highest among the groups gnomAD compares: Middle Eastern, 0.016%; no homozygotes.

Submission:

Illumina Laboratory Services, Illumina
Classification: Likely benign for Cataract 5 multiple types. Last evaluated: 2018-01-13. Review status: criteria provided, single submitter. Criteria: ICSL Variant Classification Criteria 13 December 2019. Collection method: clinical testing. Allele origin: germline.
Comment: This variant was observed in the ICSL laboratory as part of a predisposition screen in an ostensibly healthy population. It had not been previously curated by ICSL or reported in the Human Gene Mutation Database (HGMD: prior to June 1st, 2018), and was therefore a candidate for classification through an automated scoring system. Utilizing variant allele frequency, disease prevalence and penetrance estimates, and inheritance mode, an automated score was calculated to assess if this variant is too frequent to cause the disease. Based on the score and internal cut-off values, a variant classified as likely benign is not then subjected to further curation. The score for this variant resulted in a classification of likely benign for this disease.

NM_001374675.1(HSF4):c.523C>G (p.Arg175Gly)

Gene: HSF4 (heat shock transcription factor 4; plus strand). Cytogenetic location: 16q22.1.
Variant type: single nucleotide variant.
Coding change: c.523C>G on transcript NM_001374675.1 (MANE Select); coding-DNA position 523, C replaced by G.
Protein change: p.Arg175Gly; replaces arginine 175 with glycine.
Molecular consequence: missense variant.
Genome position (GRCh38, 1-based): chr16:67,166,357, C>G. VCF-style: chr16-67166357-C-G. GRCh37 (hg19) VCF-style: chr16-67200260-C-G.
Other names: c.523C>G, p.Arg175Gly (NM_001040667.3, NM_001374674.1, NM_001538.4); short protein forms R175G.
Identifiers: ClinVar variation 320181 (VCV000320181.5), dbSNP rs377009893, ClinGen allele CA8101849.